The following is an entry in ClinVar:

ClinVar aggregate classification (germline): Uncertain significance. Review status: criteria provided, multiple submitters, no conflicts (2 of 4 stars). 2 submissions from 2 submitters: Uncertain significance (2). Last evaluated 2023-01-26.

Conditions:
Epileptic encephalopathy. Identifiers: MedGen C0543888, HP:0200134.

Allele frequency attached by ClinVar (database versions not stated): gnomAD exomes 0.00001.

Submissions (2):

Ambry Genetics
Classification: Uncertain significance. Last evaluated: 2023-01-26. Review status: criteria provided, single submitter. Criteria: Ambry Variant Classification Scheme 2023. Collection method: clinical testing. Allele origin: germline.

Labcorp Genetics (formerly Invitae), Labcorp
Classification: Uncertain significance for Epileptic encephalopathy. Last evaluated: 2021-08-28. Review status: criteria provided, single submitter. Criteria: Invitae Variant Classification Sherloc (09022015). Collection method: clinical testing. Allele origin: germline.
Comment: This sequence change replaces glycine with arginine at codon 1509 of the FASN protein (p.Gly1509Arg). The glycine residue is moderately conserved and there is a moderate physicochemical difference between glycine and arginine. This variant is not present in population databases (ExAC no frequency). This variant has not been reported in the literature in individuals affected with FASN-related conditions. Algorithms developed to predict the effect of missense changes on protein structure and function are either unavailable or do not agree on the potential impact of this missense change (SIFT: "Deleterious"; PolyPhen-2: "Probably Damaging"; Align-GVGD: "Class C0"). Algorithms developed to predict the effect of sequence changes on RNA splicing suggest that this variant may create or strengthen a splice site. In summary, the available evidence is currently insufficient to determine the role of this variant in disease. Therefore, it has been classified as a Variant of Uncertain Significance.

NM_004104.5(FASN):c.4525G>A (p.Gly1509Arg)

Gene: FASN (fatty acid synthase; minus strand). Cytogenetic location: 17q25.3.
Variant type: single nucleotide variant.
Coding change: c.4525G>A on transcript NM_004104.5 (MANE Select); coding-DNA position 4525, G replaced by A.
Protein change: p.Gly1509Arg; replaces glycine 1509 with arginine.
Molecular consequence: missense variant.
Genome position (GRCh38, 1-based): chr17:82,084,838, C>T on the plus strand (G>A on the coding strand, the complement: FASN is on the minus strand). VCF-style: chr17-82084838-C-T. GRCh37 (hg19) VCF-style: chr17-80042714-C-T.
Other names: short protein forms G1509R.
Identifiers: ClinVar variation 661586 (VCV000661586.7), dbSNP rs1240492154, ClinGen allele CA401546443.